The following is an entry in ClinVar:

NM_001042492.3(NF1):c.4068_4069del (p.Glu1356fs)

Gene: NF1 (neurofibromin 1; plus strand). Cytogenetic location: 17q11.2.
Variant type: Deletion.
Coding change: c.4068_4069del on transcript NM_001042492.3 (MANE Select); coding-DNA positions 4068 to 4069, 2 bases deleted (AT; older notation c.4068_4069delAT).
Protein change: p.Glu1356fs; shifts the reading frame from glutamic acid 1356.
Molecular consequence: frameshift variant.
Genome position (GRCh38, 1-based): chr17:31,249,077-31,249,078, AT deleted. VCF-style (leftmost placement, unchanged base first): chr17-31249076-AAT-A. GRCh37 (hg19) VCF-style: chr17-29576094-AAT-A.
Other names: c.4068_4069delAT, p.Glu1356Aspfs (NM_000267.4); c.4068_4069delAT (NM_000267.3); short protein forms E1356fs.
Identifiers: ClinVar variation 661607 (VCV000661607.5), dbSNP rs1597735186, ClinGen allele CA915949968.
Genomic context (GRCh38, chr17:31,249,076, plus strand): 5'-AGCGGAACCTCCTTCAGATGACTGAAAAGTTCTTCCATGCCATCATCAGTTCCTCCTCAG[AAT>A]TCCCCCCTCAACTTCGAAGTGTGTGCCACTGTTTATACCAGGTATGCTTACAGTTAGAGA-3'

ClinVar aggregate classification (germline): Pathogenic (1 of 4 stars; one submission).

Conditions:
Neurofibromatosis, type 1 (NF1). Also called: VON RECKLINGHAUSEN DISEASE; NEUROFIBROMATOSIS, TYPE I, SOMATIC; Peripheral type neurofibromatosis; Neurofibromatosis, type I. Identifiers: Orphanet 636, MedGen C0027831, MONDO:0018975, OMIM 162200. Disease mechanism: loss of function.

Submission:

Labcorp Genetics (formerly Invitae), Labcorp
Classification: Pathogenic for Neurofibromatosis, type 1. Last evaluated: 2021-08-30. Review status: criteria provided, single submitter. Criteria: Invitae Variant Classification Sherloc (09022015). Collection method: clinical testing. Allele origin: germline.
Comment: This variant has not been reported in the literature in individuals with NF1-related disease. This sequence change creates a premature translational stop signal (p.Glu1356Aspfs*17) in the NF1 gene. It is expected to result in an absent or disrupted protein product. This variant is not present in population databases (ExAC no frequency). Loss-of-function variants in NF1 are known to be pathogenic (PMID: 10712197, 23913538). For these reasons, this variant has been classified as Pathogenic.

Literature cited by the submitters: PubMed 10712197; PubMed 23913538.